The following is an entry in ClinVar:

NM_152564.5(VPS13B):c.1440C>T (p.Phe480=)

Gene: VPS13B (vacuolar protein sorting 13 homolog B; plus strand). Cytogenetic location: 8q22.2.
Variant type: single nucleotide variant.
Coding change: c.1440C>T on transcript NM_152564.5 (MANE Select); coding-DNA position 1440, C replaced by T.
Protein change: p.Phe480=; no amino-acid change (phenylalanine 480 retained).
Molecular consequence: synonymous variant.
Genome position (GRCh38, 1-based): chr8:99,135,610, C>T. VCF-style: chr8-99135610-C-T. GRCh37 (hg19) VCF-style: chr8-100147838-C-T.
Other names: p.Phe480=; c.1440C>T, p.Phe480= (NM_015243.3, NM_017890.5); c.1440C>T (NM_152564.4).
Identifiers: ClinVar variation 193907 (VCV000193907.57), dbSNP rs141324814, ClinGen allele CA239624.

ClinVar aggregate classification (germline): Conflicting classifications of pathogenicity. Review status: criteria provided, conflicting classifications (1 of 4 stars). 12 submissions from 12 submitters: Uncertain significance (2); Benign (1); Likely benign (7). 2 of the submissions do not count toward it. Last evaluated 2026-01-25.

Conditions:
VPS13B-related disorder. Also called: VPS13B-related condition.
Inborn genetic diseases. Identifiers: MedGen C0950123, MeSH D030342.
Cohen syndrome (COH1). Also called: Cutis verticis gyrata, retinitis pigmentosa, and sensorineural deafness; PEPPER SYNDROME. Identifiers: Orphanet 193, MedGen C0265223, MONDO:0008999, OMIM 216550.

Allele frequency attached by ClinVar (database versions not stated): gnomAD 0.00024 and 0.00025; TOPMed 0.00027; ESP Exome Variant Server 0.00031; 1000 Genomes Project 0.00040; gnomAD exomes 0.00046 and 0.00049; 1000 Genomes Project 30x 0.00047; ExAC 0.00062.
gnomAD v4.1: 713 of 1,613,180 alleles (0.044%); highest among the groups gnomAD compares: South Asian, 0.17%; 3 homozygotes.

Submissions (12):

Labcorp Genetics (formerly Invitae), Labcorp
Classification: Benign for Cohen syndrome. Last evaluated: 2026-01-25. Review status: criteria provided, single submitter. Criteria: Invitae Variant Classification Sherloc (09022015). Collection method: clinical testing. Allele origin: germline.

CeGaT Center for Human Genetics Tuebingen
Classification: Likely benign. Last evaluated: 2025-04-01. Review status: criteria provided, single submitter. Criteria: CeGaT Center For Human Genetics Tuebingen Variant Classification Criteria Version 2. Collection method: clinical testing. Allele origin: germline. Affected: yes. Observed: 3 variant alleles.
Comment: VPS13B: BP4, BP7

Mayo Clinic Laboratories, Mayo Clinic
Classification: Likely benign. Last evaluated: 2025-01-27. Review status: criteria provided, single submitter. Criteria: ACMG Guidelines, 2015. Collection method: clinical testing. Allele origin: germline. Observed: 1 variant allele.
Comment: BP1, BP4, BP7

Blueprint Genetics
Classification: Likely benign. Last evaluated: 2024-11-26. Review status: criteria provided, single submitter. Criteria: ACMG Guidelines, 2015. Collection method: clinical testing. Allele origin: germline.

Pars Genome Lab
Classification: Likely benign for Cohen syndrome. Last evaluated: 2021-05-18. Review status: criteria provided, single submitter. Criteria: ACMG Guidelines, 2015. Collection method: clinical testing. Allele origin: germline. Affected: no.

GeneDx
Classification: Likely benign. Last evaluated: 2019-12-23. Review status: criteria provided, single submitter. Criteria: GeneDx Variant Classification Process June 2021. Collection method: clinical testing. Allele origin: germline. Affected: yes.

Illumina Laboratory Services, Illumina
Classification: Uncertain significance for Cohen syndrome. Last evaluated: 2018-01-13. Review status: criteria provided, single submitter. Criteria: ICSL Variant Classification Criteria 13 December 2019. Collection method: clinical testing. Allele origin: germline.

Genetic Services Laboratory, University of Chicago
Classification: Likely benign. Last evaluated: 2017-10-24. Review status: criteria provided, single submitter. Criteria: ACMG Guidelines, 2015. Collection method: clinical testing. Allele origin: germline. Affected: no.

Ambry Genetics
Classification: Likely benign for Inborn genetic diseases. Last evaluated: 2017-04-20. Review status: criteria provided, single submitter. Criteria: Ambry Variant Classification Scheme 2023. Collection method: clinical testing. Allele origin: germline.

Eurofins Ntd Llc (ga)
Classification: Uncertain significance. Last evaluated: 2014-08-04. Review status: criteria provided, single submitter. Criteria: EGL Classification Definitions 2015. Collection method: clinical testing. Allele origin: germline. Observed: 1 variant allele, 1 heterozygote.

Natera, Inc.
Classification: Benign for Cohen syndrome. Last evaluated: 2020-09-09. Review status: no assertion criteria provided. Collection method: clinical testing. Allele origin: germline. Not counted in ClinVar's aggregate classification.

PreventionGenetics, part of Exact Sciences
Classification: Likely benign for VPS13B-related condition. Last evaluated: 2019-03-06. Review status: no assertion criteria provided. Collection method: clinical testing. Allele origin: germline. Not counted in ClinVar's aggregate classification.
Comment: This variant is classified as likely benign based on ACMG/AMP sequence variant interpretation guidelines (Richards et al. 2015 PMID: 25741868, with internal and published modifications).